The following is an entry in ClinVar:

ClinVar aggregate classification (germline): Pathogenic (1 of 4 stars; one submission).

Submission:

CeGaT Center for Human Genetics Tuebingen
Classification: Pathogenic. Last evaluated: 2022-05-01. Review status: criteria provided, single submitter. Criteria: CeGaT Center For Human Genetics Tuebingen Variant Classification Criteria Version 2. Collection method: clinical testing. Allele origin: germline. Affected: yes. Observed: 1 variant allele.
Comment: FOXC2: PVS1, PS2, PM2

NM_005251.3(FOXC2):c.902_920del (p.Leu301fs)

Gene: FOXC2 (forkhead box C2; plus strand). Cytogenetic location: 16q24.1.
Variant type: Deletion.
Coding change: c.902_920del on transcript NM_005251.3 (MANE Select); coding-DNA positions 902 to 920, 19 bases deleted (TGGCGCTGCCCTACGCCGC).
Protein change: p.Leu301fs; shifts the reading frame from leucine 301.
Molecular consequence: frameshift variant.
Genome position (GRCh38, 1-based): chr16:86,568,237-86,568,255, TGGCGCTGCCCTACGCCGC deleted; deleting any 19 consecutive bases within chr16:86,568,231-86,568,255 gives the same sequence; the c. name uses the placement nearest the transcript's 3' end. VCF-style (leftmost placement, unchanged base first): chr16-86568230-CCGCCGCTGGCGCTGCCCTA-C. GRCh37 (hg19) VCF-style: chr16-86601836-CCGCCGCTGGCGCTGCCCTA-C.
Other names: short protein forms L301fs.
Identifiers: ClinVar variation 1694803 (VCV001694803.31), dbSNP rs2144020025, ClinGen allele CA2580092196.